The following is an entry in ClinVar:

NM_004364.5(CEBPA):c.68C>G (p.Pro23Arg)

Gene: CEBPA (CCAAT enhancer binding protein alpha; minus strand). Cytogenetic location: 19q13.11.
Variant type: single nucleotide variant.
Coding change: c.68C>G on transcript NM_004364.5 (MANE Select); coding-DNA position 68, C replaced by G.
Protein change: p.Pro23Arg; replaces proline 23 with arginine.
Molecular consequence: missense variant. On other transcripts: 5 prime UTR variant (1).
Genome position (GRCh38, 1-based): chr19:33,302,347, G>C on the plus strand (C>G on the coding strand, the complement: CEBPA is on the minus strand). VCF-style: chr19-33302347-G-C. GRCh37 (hg19) VCF-style: chr19-33793253-G-C.
Other names: c.-290C>G (NM_001285829.2); c.173C>G, p.Pro58Arg (NM_001287424.2); c.26C>G, p.Pro9Arg (NM_001287435.2); short protein forms P23R, P58R, P9R.
Identifiers: ClinVar variation 2056621 (VCV002056621.5), dbSNP rs1308550194, ClinGen allele CA405275745.
Genomic context (GRCh38, chr19:33,302,347, plus strand): 5'-GGAGGCTGCGCGGGGCCCGCGCCCCGGGGAAAGCCGAAGGCGGCGCTGCTGGGCGCGTGC[G>C]GGGGGCTCTGCAGGTGGCTGCTCATCGGGGGCCGCGGCTCCGCCTCGTAGAAGTCGGCCG-3'
Protein context (NP_004355.2, residues 13-33): PPMSSHLQSP[Pro23Arg]HAPSSAAFGF

ClinVar aggregate classification (germline): Uncertain significance. Review status: criteria provided, multiple submitters, no conflicts (2 of 4 stars). 2 submissions from 2 submitters: Uncertain significance (2). Last evaluated 2025-03-25.

Conditions:
Acute myeloid leukemia (AML). Also called: Acute myeloid leukemia, adult; AML adult; Acute non-lymphocytic leukemia; Acute granulocytic leukemia; Leukemia, acute myeloid, somatic; Leukemia, acute myelogenous, somatic. Identifiers: Orphanet 519, MedGen C0023467, MeSH D015470, MONDO:0018874, OMIM 601626, HP:0004808. Disease mechanism: Constitutively activated FLT3.
Inborn genetic diseases. Identifiers: MedGen C0950123, MeSH D030342.

gnomAD v4.1: 5 of 1,346,734 alleles (0.00037%); highest among the groups gnomAD compares: Middle Eastern, 0.021%; no homozygotes.

Submissions (2):

Ambry Genetics
Classification: Uncertain significance for Inborn genetic diseases. Last evaluated: 2025-03-25. Review status: criteria provided, single submitter. Criteria: Ambry Variant Classification Scheme 2023. Collection method: clinical testing. Allele origin: germline.
Comment: The p.P23R variant (also known as c.68C>G), located in coding exon 1 of the CEBPA gene, results from a C to G substitution at nucleotide position 68. The proline at codon 23 is replaced by arginine, an amino acid with dissimilar properties. This amino acid position is conserved. In addition, this alteration is predicted to be tolerated by in silico analysis. Based on the available evidence, the clinical significance of this variant remains unclear.

Labcorp Genetics (formerly Invitae), Labcorp
Classification: Uncertain significance for Acute myeloid leukemia. Last evaluated: 2023-10-03. Review status: criteria provided, single submitter. Criteria: Invitae Variant Classification Sherloc (09022015). Collection method: clinical testing. Allele origin: germline.
Comment: This sequence change replaces proline, which is neutral and non-polar, with arginine, which is basic and polar, at codon 23 of the CEBPA protein (p.Pro23Arg). This variant is not present in population databases (gnomAD no frequency). This variant has not been reported in the literature in individuals affected with CEBPA-related conditions. ClinVar contains an entry for this variant (Variation ID: 2056621). An algorithm developed to predict the effect of missense changes on protein structure and function (PolyPhen-2) suggests that this variant is likely to be tolerated. In summary, the available evidence is currently insufficient to determine the role of this variant in disease. Therefore, it has been classified as a Variant of Uncertain Significance.